The following is an entry in ClinVar:

NM_133259.4(LRPPRC):c.3901-6T>C

Gene: LRPPRC (leucine rich pentatricopeptide repeat containing; minus strand). Cytogenetic location: 2p21.
Variant type: single nucleotide variant.
Coding change: c.3901-6T>C on transcript NM_133259.4 (MANE Select); 6 bases into the intron before coding-DNA position 3901, T replaced by C.
Molecular consequence: intron variant.
Genome position (GRCh38, 1-based): chr2:43,894,635, A>G on the plus strand (T>C on the coding strand, the complement: LRPPRC is on the minus strand). VCF-style: chr2-43894635-A-G. GRCh37 (hg19) VCF-style: chr2-44121774-A-G.
Other names: c.3901-6T>C (NM_133259.3).
Identifiers: ClinVar variation 1630474 (VCV001630474.9), dbSNP rs553466522, ClinGen allele CA769096331.
Genomic context (GRCh38, chr2:43,894,635, plus strand): 5'-CTTCCTTTTCATTTAATTCAGGAATCAATTCTAACACAGATTTCACAGTTGATGCCTAGG[A>G]AATTACATAAAGGTAATATTATGAAAACCGCAAATTAACAGTGAATTAGAACACTGACAA-3'

ClinVar aggregate classification (germline): Conflicting classifications of pathogenicity. Review status: criteria provided, conflicting classifications (1 of 4 stars). 2 submissions from 2 submitters: Uncertain significance (1); Likely benign (1). Last evaluated 2024-08-19.

Conditions:
Inborn genetic diseases. Identifiers: MedGen C0950123, MeSH D030342.

Submissions (2):

Ambry Genetics
Classification: Uncertain significance for Inborn genetic diseases. Last evaluated: 2024-08-19. Review status: criteria provided, single submitter. Criteria: Ambry Variant Classification Scheme 2023. Collection method: clinical testing. Allele origin: germline.
Comment: The c.3901-6T>C intronic alteration consists of a T to C substitution 6 nucleotides before coding exon 36 in the LRPPRC gene. Based on insufficient or conflicting evidence, the clinical significance of this alteration remains unclear.

Labcorp Genetics (formerly Invitae), Labcorp
Classification: Likely benign. Last evaluated: 2024-01-17. Review status: criteria provided, single submitter. Criteria: Invitae Variant Classification Sherloc (09022015). Collection method: clinical testing. Allele origin: germline.